The following is an entry in ClinVar:

ClinVar aggregate classification (germline): Likely benign (1 of 4 stars; one submission).

Allele frequency attached by ClinVar (database versions not stated): ExAC 0.00001; 1000 Genomes Project 30x 0.00016; 1000 Genomes Project 0.00020.
gnomAD v4.1: 7 of 1,613,628 alleles (0.00043%); highest among the groups gnomAD compares: East Asian, 0.0045%; no homozygotes.

Submission:

CeGaT Center for Human Genetics Tuebingen
Classification: Likely benign. Last evaluated: 2023-01-01. Review status: criteria provided, single submitter. Criteria: CeGaT Center For Human Genetics Tuebingen Variant Classification Criteria Version 2. Collection method: clinical testing. Allele origin: germline. Affected: yes. Observed: 1 variant allele.
Comment: DST: BP4, BP7

NM_001374736.1(DST):c.6510C>G (p.Pro2170=)

Gene: DST (dystonin; minus strand). Cytogenetic location: 6p12.1.
Variant type: single nucleotide variant.
Coding change: c.6510C>G on transcript NM_001374736.1 (MANE Select); coding-DNA position 6510, C replaced by G.
Protein change: p.Pro2170=; no amino-acid change (proline 2170 retained).
Molecular consequence: synonymous variant. On other transcripts: intron variant (6).
Genome position (GRCh38, 1-based): chr6:56,608,118, G>C on the plus strand (C>G on the coding strand, the complement: DST is on the minus strand). VCF-style: chr6-56608118-G-C. GRCh37 (hg19) VCF-style: chr6-56472916-G-C.
Other names: c.6510C>G, p.Pro2170= (NM_001374722.1); c.5877C>G, p.Pro1959= (NM_001374729.1); c.6537C>G, p.Pro2179= (NM_001374734.1); c.5184+2309C>G (NM_001144769.5); c.4770+2309C>G (NM_001144770.2); c.4650+2309C>G (NM_001374730.1, NM_001386100.1, NM_183380.4); c.3672+2309C>G (NM_015548.5).
Identifiers: ClinVar variation 2656668 (VCV002656668.24), dbSNP rs554539791, ClinGen allele CA3869541.
Genomic context (GRCh38, chr6:56,608,118, plus strand): 5'-AGTGACAGGTTCTTCTCCATCAAAAACATCCTCTTCTTGTCTGTAATCATGAACTGTGGA[G>C]GGTTGAAATTTACAAAAAGAGAGCCATCTTCTGGCATTTTTACAAGCTTCTAAATCTCCT-3'
Protein context (NP_001361665.1, residues 2160-2180): RRWLSFCKFQ[Pro2170=]STVHDYRQEE